The following is an entry in ClinVar:

ClinVar aggregate classification (germline): Benign. Review status: criteria provided, multiple submitters, no conflicts (2 of 4 stars). 3 submissions from 3 submitters: Benign (3). Last evaluated 2024-07-15.

Allele frequency attached by ClinVar (database versions not stated): 1000 Genomes Project 0.17931; 1000 Genomes Project 30x 0.18036; TOPMed 0.30416; gnomAD 0.31949 and 0.32534; gnomAD exomes 0.38869.
gnomAD v4.1: 350,728 of 928,350 alleles (38%); highest among the groups gnomAD compares: Middle Eastern, 49%; 75,552 homozygotes.

Submissions (3):

Unidad de Genómica Garrahan, Hospital de Pediatría Garrahan
Classification: Benign. Last evaluated: 2024-07-15. Review status: criteria provided, single submitter. Criteria: ACMG Guidelines, 2015. Collection method: clinical testing. Allele origin: germline. Affected: no. Observed: 33 variant alleles.
Comment: This variant is classified as Benign based on local population frequency. This variant was detected in 35% of patients studied in a panel designed for Epileptic and Developmental Encephalopathy and Progressive Myoclonus Epilepsy. Number of patients: 33. Only high quality variants are reported.

GeneDx
Classification: Benign. Last evaluated: 2021-06-19. Review status: criteria provided, single submitter. Criteria: GeneDx Variant Classification Process June 2021. Collection method: clinical testing. Allele origin: germline. Affected: yes.

Breakthrough Genomics
Classification: Benign. Review status: criteria provided, single submitter. Criteria: ACMG Guidelines, 2015. Collection method: not provided. Allele origin: germline. Inheritance: Autosomal recessive inheritance. Affected: yes.

NM_020708.5(SLC12A5):c.53-112T>C

Gene: SLC12A5 (solute carrier family 12 member 5; plus strand). Cytogenetic location: 20q13.12.
Variant type: single nucleotide variant.
Coding change: c.53-112T>C on transcript NM_020708.5 (MANE Select); 112 bases into the intron before coding-DNA position 53, T replaced by C.
Molecular consequence: intron variant.
Genome position (GRCh38, 1-based): chr20:46,034,836, T>C. VCF-style: chr20-46034836-T-C. GRCh37 (hg19) VCF-style: chr20-44663475-T-C.
Other names: c.122-112T>C (NM_001134771.2).
Identifiers: ClinVar variation 1245054 (VCV001245054.5), dbSNP rs11699481, ClinGen allele CA14776209.
Genomic context (GRCh38, chr20:46,034,836, plus strand): 5'-AGGCTCTGTATACATGCTGTCAACTGCAACCCTGCAAGGAAGGTGGTATTAGCCCCATTT[T>C]CCCAATGCGCGAACTGAGATTCAGAGGGCTACTGTGGCTACACCACTGTATGCCCAGGTG-3'